The following is an entry in ClinVar:

ClinVar aggregate classification (germline): Uncertain significance (1 of 4 stars; one submission).

Submission:

Labcorp Genetics (formerly Invitae), Labcorp
Classification: Uncertain significance. Last evaluated: 2022-06-13. Review status: criteria provided, single submitter. Criteria: Invitae Variant Classification Sherloc (09022015). Collection method: clinical testing. Allele origin: germline.
Comment: In summary, the available evidence is currently insufficient to determine the role of this variant in disease. Therefore, it has been classified as a Variant of Uncertain Significance. Algorithms developed to predict the effect of missense changes on protein structure and function are either unavailable or do not agree on the potential impact of this missense change (SIFT: "Tolerated"; PolyPhen-2: "Possibly Damaging"; Align-GVGD: "Class C0"). This variant has not been reported in the literature in individuals affected with DVL3-related conditions. This variant is not present in population databases (gnomAD no frequency). This sequence change replaces proline, which is neutral and non-polar, with serine, which is neutral and polar, at codon 531 of the DVL3 protein (p.Pro531Ser).

NM_004423.4(DVL3):c.1591C>T (p.Pro531Ser)

Gene: DVL3 (dishevelled segment polarity protein 3; plus strand). Cytogenetic location: 3q27.1.
Variant type: single nucleotide variant.
Coding change: c.1591C>T on transcript NM_004423.4 (MANE Select); coding-DNA position 1591, C replaced by T.
Protein change: p.Pro531Ser; replaces proline 531 with serine.
Molecular consequence: missense variant.
Genome position (GRCh38, 1-based): chr3:184,170,098, C>T. VCF-style: chr3-184170098-C-T. GRCh37 (hg19) VCF-style: chr3-183887886-C-T.
Other names: short protein forms P531S.
Identifiers: ClinVar variation 1381697 (VCV001381697.6), dbSNP rs2109023731, ClinGen allele CA355414974.